The following is an entry in ClinVar:

ClinVar aggregate classification (germline): Conflicting classifications of pathogenicity. Review status: criteria provided, conflicting classifications (1 of 4 stars). 2 submissions from 2 submitters: Uncertain significance (1); Likely benign (1). Last evaluated 2026-01-25.

Conditions:
Neuroblastoma, susceptibility to, 3. Also called: ALK-Related Neuroblastic Tumor Susceptibility. Identifiers: Orphanet 635, MedGen C2751681, MONDO:0013083, OMIM 613014.
Hereditary cancer-predisposing syndrome. Also called: Hereditary neoplastic syndrome; Neoplastic Syndromes, Hereditary; Hereditary Cancer Syndrome; Tumor predisposition. Identifiers: Orphanet 140162, MedGen C0027672, MeSH D009386, MONDO:0015356.

Allele frequency attached by ClinVar (database versions not stated): ExAC 0.00002; TOPMed 0.00002; gnomAD 0.00003; gnomAD exomes 0.00003.
gnomAD v4.1: 30 of 1,613,770 alleles (0.0019%); highest among the groups gnomAD compares: Admixed American, 0.0067%; no homozygotes.

Submissions (2):

Labcorp Genetics (formerly Invitae), Labcorp
Classification: Uncertain significance for Neuroblastoma, susceptibility to, 3. Last evaluated: 2026-01-25. Review status: criteria provided, single submitter. Criteria: Invitae Variant Classification Sherloc (09022015). Collection method: clinical testing. Allele origin: germline.
Comment: This sequence change replaces arginine, which is basic and polar, with glutamine, which is neutral and polar, at codon 510 of the ALK protein (p.Arg510Gln). This variant is present in population databases (rs776351932, gnomAD 0.009%). This variant has not been reported in the literature in individuals affected with ALK-related conditions. ClinVar contains an entry for this variant (Variation ID: 569256). An algorithm developed to predict the effect of missense changes on protein structure and function outputs the following: PolyPhen-2: "Benign". The glutamine amino acid residue is found in multiple mammalian species, which suggests that this missense change does not adversely affect protein function. In summary, the available evidence is currently insufficient to determine the role of this variant in disease. Therefore, it has been classified as a Variant of Uncertain Significance.

Ambry Genetics
Classification: Likely benign for Hereditary cancer-predisposing syndrome. Last evaluated: 2025-06-27. Review status: criteria provided, single submitter. Criteria: Ambry Variant Classification Scheme 2023. Collection method: clinical testing. Allele origin: germline.

NM_004304.5(ALK):c.1529G>A (p.Arg510Gln)

Gene: ALK (ALK receptor tyrosine kinase; minus strand). Cytogenetic location: 2p23.2.
Variant type: single nucleotide variant.
Coding change: c.1529G>A on transcript NM_004304.5 (MANE Select); coding-DNA position 1529, G replaced by A.
Protein change: p.Arg510Gln; replaces arginine 510 with glutamine.
Molecular consequence: missense variant.
Genome position (GRCh38, 1-based): chr2:29,320,768, C>T on the plus strand (G>A on the coding strand, the complement: ALK is on the minus strand). VCF-style: chr2-29320768-C-T. GRCh37 (hg19) VCF-style: chr2-29543634-C-T.
Other names: short protein forms R510Q.
Identifiers: ClinVar variation 569256 (VCV000569256.13), dbSNP rs776351932, ClinGen allele CA1594629.